The following is an entry in ClinVar:

ClinVar aggregate classification (germline): Uncertain significance. Review status: criteria provided, multiple submitters, no conflicts (2 of 4 stars). 3 submissions from 3 submitters: Uncertain significance (2). 1 of the submissions does not count toward it. Last evaluated 2024-11-15.

Conditions:
Inborn genetic diseases. Identifiers: MedGen C0950123, MeSH D030342.
Meckel-Gruber syndrome. Also called: DYSENCEPHALIA SPLANCHNOCYSTICA; GRUBER SYNDROME; Dysencephalia splachnocystica. Identifiers: Orphanet 564, MedGen C0265215, MONDO:0018921.
Joubert syndrome. Also called: CEREBELLOPARENCHYMAL DISORDER IV; JOUBERT-BOLTSHAUSER SYNDROME; Familial aplasia of the vermis. Identifiers: Orphanet 475, MedGen C5979921, MONDO:0018772.

Allele frequency attached by ClinVar (database versions not stated): gnomAD exomes 0.00001.
gnomAD v4.1: 10 of 1,614,128 alleles (0.00062%); highest among the groups gnomAD compares: Non-Finnish European, 0.00085%; no homozygotes.

Submissions (3):

Ambry Genetics
Classification: Uncertain significance for Inborn genetic diseases. Last evaluated: 2024-11-15. Review status: criteria provided, single submitter. Criteria: Ambry Variant Classification Scheme 2023. Collection method: clinical testing. Allele origin: germline.

Labcorp Genetics (formerly Invitae), Labcorp
Classification: Uncertain significance for Joubert syndrome; Meckel-Gruber syndrome. Last evaluated: 2022-03-10. Review status: criteria provided, single submitter. Criteria: Invitae Variant Classification Sherloc (09022015). Collection method: clinical testing. Allele origin: germline.
Comment: This sequence change replaces glycine, which is neutral and non-polar, with cysteine, which is neutral and slightly polar, at codon 1256 of the RPGRIP1L protein (p.Gly1256Cys). This variant is not present in population databases (gnomAD no frequency). This variant has not been reported in the literature in individuals affected with RPGRIP1L-related conditions. ClinVar contains an entry for this variant (Variation ID: 853538). Algorithms developed to predict the effect of missense changes on protein structure and function (SIFT, PolyPhen-2, Align-GVGD) all suggest that this variant is likely to be disruptive. In summary, the available evidence is currently insufficient to determine the role of this variant in disease. Therefore, it has been classified as a Variant of Uncertain Significance.

Natera, Inc.
Classification: Uncertain significance for Joubert syndrome. Last evaluated: 2021-04-13. Review status: no assertion criteria provided. Collection method: clinical testing. Allele origin: germline. Not counted in ClinVar's aggregate classification.

NM_015272.5(RPGRIP1L):c.3766G>T (p.Gly1256Cys)

Gene: RPGRIP1L (RPGRIP1 like; minus strand). Cytogenetic location: 16q12.2.
Variant type: single nucleotide variant.
Coding change: c.3766G>T on transcript NM_015272.5 (MANE Select); coding-DNA position 3766, G replaced by T.
Protein change: p.Gly1256Cys; replaces glycine 1256 with cysteine.
Molecular consequence: missense variant.
Genome position (GRCh38, 1-based): chr16:53,605,550, C>A on the plus strand (G>T on the coding strand, the complement: RPGRIP1L is on the minus strand). VCF-style: chr16-53605550-C-A. GRCh37 (hg19) VCF-style: chr16-53639462-C-A.
Other names: c.3526G>T, p.Gly1176Cys (NM_001127897.4); c.3628G>T, p.Gly1210Cys (NM_001308334.3); c.3664G>T, p.Gly1222Cys (NM_001330538.2); short protein forms G1222C, G1176C, G1210C, G1256C.
Identifiers: ClinVar variation 853538 (VCV000853538.6), dbSNP rs1963628196, ClinGen allele CA395921299.
Genomic context (GRCh38, chr16:53,605,550, plus strand): 5'-TTTGCTCAATGAGGTCCCTCCCTTCCTGAAACATGTCGGCAAGGTCGACGTGAGCCACGC[C>A]AATGTCCTCACACTCCAGGTCCTGCTCGTCCTCTGGAGGGTCACTGACCACGGTGAAGCG-3'
Protein context (NP_056087.2, residues 1246-1266): DEQDLECEDI[Gly1256Cys]VAHVDLADMF